The following is an entry in ClinVar:

NM_001364905.1(LRBA):c.2873C>A (p.Ala958Asp)

Gene: LRBA (LPS responsive beige-like anchor protein; minus strand). Cytogenetic location: 4q31.3.
Variant type: single nucleotide variant.
Coding change: c.2873C>A on transcript NM_001364905.1 (MANE Select); coding-DNA position 2873, C replaced by A.
Protein change: p.Ala958Asp; replaces alanine 958 with aspartic acid.
Molecular consequence: missense variant.
Genome position (GRCh38, 1-based): chr4:150,852,837, G>T on the plus strand (C>A on the coding strand, the complement: LRBA is on the minus strand). VCF-style: chr4-150852837-G-T. GRCh37 (hg19) VCF-style: chr4-151773989-G-T.
Other names: c.2873C>A, p.Ala958Asp (NM_001199282.3, NM_001367550.1, NM_001440430.1 and 2 more transcripts); short protein forms A958D.
Identifiers: ClinVar variation 4772860 (VCV004772860.1).

ClinVar aggregate classification (germline): Uncertain significance (1 of 4 stars; one submission).

Conditions:
Combined immunodeficiency due to LRBA deficiency. Also called: Common variable immunodeficiency 8, with autoimmunity. Identifiers: Orphanet 445018, MedGen C3553512, MONDO:0013863, OMIM 614700.

gnomAD v4.1: 3 of 1,613,892 alleles (0.00019%); highest among the groups gnomAD compares: Non-Finnish European, 0.00025%; no homozygotes.

Submission:

Labcorp Genetics (formerly Invitae), Labcorp
Classification: Uncertain significance for Combined immunodeficiency due to LRBA deficiency. Last evaluated: 2025-10-02. Review status: criteria provided, single submitter. Criteria: Invitae Variant Classification Sherloc (09022015). Collection method: clinical testing. Allele origin: germline.
Comment: This sequence change replaces alanine, which is neutral and non-polar, with aspartic acid, which is acidic and polar, at codon 958 of the LRBA protein (p.Ala958Asp). This variant is present in population databases (no rsID available, gnomAD 0.0009%). This variant has not been reported in the literature in individuals affected with LRBA-related conditions. Invitae Evidence Modeling of protein sequence and biophysical properties (such as structural, functional, and spatial information, amino acid conservation, physicochemical variation, residue mobility, and thermodynamic stability) indicates that this missense variant is not expected to disrupt LRBA protein function with a negative predictive value of 80%. In summary, the available evidence is currently insufficient to determine the role of this variant in disease. Therefore, it has been classified as a Variant of Uncertain Significance.